The following is an entry in ClinVar:

ClinVar aggregate classification (germline): Uncertain significance (1 of 4 stars; one submission).

Conditions:
Proteasome-associated autoinflammatory syndrome 1 (PRAAS1). Also called: JOINT CONTRACTURES, MUSCULAR ATROPHY, MICROCYTIC ANEMIA, AND PANNICULITIS-INDUCED LIPODYSTROPHY; JMP SYNDROME; AUTOINFLAMMATION, LIPODYSTROPHY, AND DERMATOSIS SYNDROME; NAKAJO-NISHIMURA SYNDROME; CHRONIC ATYPICAL NEUTROPHILIC DERMATOSIS WITH LIPODYSTROPHY AND ELEVATED TEMPERATURE SYNDROME; Nakajo syndrome. Identifiers: Orphanet 2615, Orphanet 324977, Orphanet 324999, Orphanet 325004, MedGen C4746851, MONDO:0054698, OMIM 256040.

Allele frequency attached by ClinVar (database versions not stated): TOPMed 0.00001.

Submission:

Labcorp Genetics (formerly Invitae), Labcorp
Classification: Uncertain significance for Proteosome-associated autoinflammatory syndrome. Last evaluated: 2022-05-27. Review status: criteria provided, single submitter. Criteria: Invitae Variant Classification Sherloc (09022015). Collection method: clinical testing. Allele origin: germline.
Comment: This sequence change replaces isoleucine, which is neutral and non-polar, with valine, which is neutral and non-polar, at codon 173 of the PSMB8 protein (p.Ile173Val). This variant is not present in population databases (gnomAD no frequency). This variant has not been reported in the literature in individuals affected with PSMB8-related conditions. ClinVar contains an entry for this variant (Variation ID: 657742). Algorithms developed to predict the effect of missense changes on protein structure and function (SIFT, PolyPhen-2, Align-GVGD) all suggest that this variant is likely to be tolerated. Algorithms developed to predict the effect of sequence changes on RNA splicing suggest that this variant may create or strengthen a splice site. In summary, the available evidence is currently insufficient to determine the role of this variant in disease. Therefore, it has been classified as a Variant of Uncertain Significance.

NM_148919.4(PSMB8):c.517A>G (p.Ile173Val)

Gene: PSMB8 (proteasome 20S subunit beta 8; minus strand). Cytogenetic location: 6p21.32.
Variant type: single nucleotide variant.
Coding change: c.517A>G on transcript NM_148919.4 (MANE Select); coding-DNA position 517, A replaced by G.
Protein change: p.Ile173Val; replaces isoleucine 173 with valine.
Molecular consequence: missense variant.
Genome position (GRCh38, 1-based): chr6:32,842,154, T>C on the plus strand (A>G on the coding strand, the complement: PSMB8 is on the minus strand). VCF-style: chr6-32842154-T-C. GRCh37 (hg19) VCF-style: chr6-32809931-T-C.
Other names: c.505A>G, p.Ile169Val (LRG_1328t2, NM_004159.5); c.517A>G, p.Ile173Val (LRG_1328t1); short protein forms I169V, I173V.
Identifiers: ClinVar variation 657742 (VCV000657742.6), dbSNP rs1582605795, ClinGen allele CA363588812.
Genomic context (GRCh38, chr6:32,842,154, plus strand): 5'-GGAACATGGTGGGGGAACATGAAGAATGGAGAGCACCCACCTTCTTATCCCAGCCACAGA[T>C]CATACTGCCCATAGAGAGGCCCATGCCCCGGTACTGGCACATCATGTTGGACAGCAGCTT-3'
Protein context (NP_683720.2, residues 163-183): RGMGLSMGSM[Ile173Val]CGWDKKGPGL